The following is an entry in ClinVar:

NM_001376.5(DYNC1H1):c.5504C>A (p.Ser1835Tyr)

Gene: DYNC1H1 (dynein cytoplasmic 1 heavy chain 1; plus strand). Cytogenetic location: 14q32.31.
Variant type: single nucleotide variant.
Coding change: c.5504C>A on transcript NM_001376.5 (MANE Select); coding-DNA position 5504, C replaced by A.
Protein change: p.Ser1835Tyr; replaces serine 1835 with tyrosine.
Molecular consequence: missense variant.
Genome position (GRCh38, 1-based): chr14:102,005,958, C>A. VCF-style: chr14-102005958-C-A. GRCh37 (hg19) VCF-style: chr14-102472295-C-A.
Other names: short protein forms S1835Y.
Identifiers: ClinVar variation 2984121 (VCV002984121.3), dbSNP rs2048192322, ClinGen allele CA391048132.

ClinVar aggregate classification (germline): Uncertain significance (1 of 4 stars; one submission).

Conditions:
Charcot-Marie-Tooth disease axonal type 2O. Also called: CHARCOT-MARIE-TOOTH NEUROPATHY, AXONAL, TYPE 2O; CHARCOT-MARIE-TOOTH DISEASE, AXONAL, AUTOSOMAL DOMINANT, TYPE 2O; Charcot-Marie-Tooth Neuropathy Type 2O; Charcot-Marie-Tooth disease, axonal, type 20. Identifiers: Orphanet 284232, MedGen C3280220, MONDO:0013644, OMIM 614228.

Allele frequency attached by ClinVar (database versions not stated): gnomAD exomes below 0.00001; gnomAD 0.00001.
gnomAD v4.1: 3 of 1,614,138 alleles (0.00019%); highest among the groups gnomAD compares: African/African-American, 0.004%; no homozygotes.

Submission:

Labcorp Genetics (formerly Invitae), Labcorp
Classification: Uncertain significance for Charcot-Marie-Tooth disease axonal type 2O. Last evaluated: 2023-05-26. Review status: criteria provided, single submitter. Criteria: Invitae Variant Classification Sherloc (09022015). Collection method: clinical testing. Allele origin: germline.
Comment: In summary, the available evidence is currently insufficient to determine the role of this variant in disease. Therefore, it has been classified as a Variant of Uncertain Significance. Advanced modeling of protein sequence and biophysical properties (such as structural, functional, and spatial information, amino acid conservation, physicochemical variation, residue mobility, and thermodynamic stability) has been performed at Invitae for this missense variant, however the output from this modeling did not meet the statistical confidence thresholds required to predict the impact of this variant on DYNC1H1 protein function. This variant has not been reported in the literature in individuals affected with DYNC1H1-related conditions. This variant is not present in population databases (gnomAD no frequency). This sequence change replaces serine, which is neutral and polar, with tyrosine, which is neutral and polar, at codon 1835 of the DYNC1H1 protein (p.Ser1835Tyr).